The following is an entry in ClinVar:

NM_002067.5(GNA11):c.248T>C (p.Ile83Thr)

Gene: GNA11 (G protein subunit alpha 11; plus strand). Cytogenetic location: 19p13.3.
Variant type: single nucleotide variant.
Coding change: c.248T>C on transcript NM_002067.5 (MANE Select); coding-DNA position 248, T replaced by C.
Protein change: p.Ile83Thr; replaces isoleucine 83 with threonine.
Molecular consequence: missense variant.
Genome position (GRCh38, 1-based): chr19:3,110,260, T>C. VCF-style: chr19-3110260-T-C. GRCh37 (hg19) VCF-style: chr19-3110258-T-C.
Other names: short protein forms I83T.
Identifiers: ClinVar variation 1961118 (VCV001961118.5), dbSNP rs2512089253, ClinGen allele CA403305745.

ClinVar aggregate classification (germline): Uncertain significance (1 of 4 stars; one submission).

Submission:

Labcorp Genetics (formerly Invitae), Labcorp
Classification: Uncertain significance. Last evaluated: 2022-06-12. Review status: criteria provided, single submitter. Criteria: Invitae Variant Classification Sherloc (09022015). Collection method: clinical testing. Allele origin: germline.
Comment: Algorithms developed to predict the effect of missense changes on protein structure and function are either unavailable or do not agree on the potential impact of this missense change (SIFT: "Deleterious"; PolyPhen-2: "Possibly Damaging"; Align-GVGD: "Class C0"). This variant has not been reported in the literature in individuals affected with GNA11-related conditions. This variant is not present in population databases (gnomAD no frequency). This sequence change replaces isoleucine, which is neutral and non-polar, with threonine, which is neutral and polar, at codon 83 of the GNA11 protein (p.Ile83Thr). In summary, the available evidence is currently insufficient to determine the role of this variant in disease. Therefore, it has been classified as a Variant of Uncertain Significance.